The following is an entry in ClinVar:

ClinVar aggregate classification (germline): Likely pathogenic. Review status: criteria provided, multiple submitters, no conflicts (2 of 4 stars). 2 submissions from 2 submitters: Likely pathogenic (2). Last evaluated 2025-01-28.

Conditions:
Charlevoix-Saguenay spastic ataxia (SACS). Also called: Spastic ataxia of Charlevoix-Saguenay; SPASTIC ATAXIA 6, AUTOSOMAL RECESSIVE; AUTOSOMAL RECESSIVE SPASTIC ATAXIA OF CHARLEVOIX-SAGUENAY. Identifiers: Orphanet 98, MedGen C1849140, MONDO:0010041, OMIM 270550.

Submissions (2):

Natera, Inc.
Classification: Likely pathogenic for Charlevoix-Saguenay type spastic ataxia. Last evaluated: 2025-01-28. Review status: criteria provided, single submitter. Criteria: Natera Variant Classification Schema (03/2026). Collection method: clinical testing. Allele origin: germline.
Comment: The c.3218dup variant in SACS is a frameshift variant predicted to shift the reading frame beginning at codon 1075 and leads to a stop codon 37 codons downstream. This variant is expected to result in nonsense mediated decay, truncation, or a dysfunctional protein product. This variant is rare in the general population with a frequency below the threshold expected for the associated phenotype(s). Given the available evidence, this variant is classified as Likely Pathogenic.

Baylor Genetics
Classification: Likely pathogenic for Charlevoix-Saguenay spastic ataxia. Last evaluated: 2023-11-09. Review status: criteria provided, single submitter. Criteria: ACMG Guidelines, 2015. Collection method: clinical testing. Allele origin: unknown.

NM_014363.6(SACS):c.3218dup (p.Pro1075fs)

Gene: SACS (sacsin molecular chaperone; minus strand). Cytogenetic location: 13q12.12.
Variant type: Duplication.
Coding change: c.3218dup on transcript NM_014363.6 (MANE Select); coding-DNA position 3218, one base duplicated (T; older notation c.3218dupT).
Protein change: p.Pro1075fs; shifts the reading frame from proline 1075.
Molecular consequence: frameshift variant.
Genome position (GRCh38, 1-based): chr13:23,340,658, A duplicated on the plus strand (T on the coding strand, the reverse complement: SACS is on the minus strand); the first of 3 consecutive A bases (chr13:23,340,658-23,340,660); duplicating any one gives the same sequence. VCF-style (leftmost placement, unchanged base first): chr13-23340657-G-GA. GRCh37 (hg19) VCF-style: chr13-23914796-G-GA.
Other names: c.2777dup, p.Pro928fs (NM_001278055.2); c.3218dup (NM_014363.5); short protein forms P1075fs, P928fs.
Identifiers: ClinVar variation 2678541 (VCV002678541.4), dbSNP rs2542299283, ClinGen allele CA2575369471.